The following is an entry in ClinVar:

NM_139058.3(ARX):c.357G>A (p.Ala119=)

Genes: ARX (aristaless related homeobox; minus strand), LOC109610631 (aristaless related homeobox polyalanine expansion region; plus strand). Cytogenetic location: Xp21.3.
Variant type: single nucleotide variant.
Coding change: c.357G>A on transcript NM_139058.3 (MANE Select); coding-DNA position 357, G replaced by A.
Protein change: p.Ala119=; no amino-acid change (alanine 119 retained).
Molecular consequence: synonymous variant.
Genome position (GRCh38, 1-based): chrX:25,013,638, C>T on the plus strand (G>A on the coding strand, the complement: ARX is on the minus strand). VCF-style: chrX-25013638-C-T. GRCh37 (hg19) VCF-style: chrX-25031755-C-T.
Identifiers: ClinVar variation 4822068 (VCV004822068.4).

ClinVar aggregate classification (germline): Likely benign (1 of 4 stars; one submission).

Submission:

CeGaT Center for Human Genetics Tuebingen
Classification: Likely benign. Last evaluated: 2026-01-01. Review status: criteria provided, single submitter. Criteria: CeGaT Center For Human Genetics Tuebingen Variant Classification Criteria Version 2. Collection method: clinical testing. Allele origin: germline. Affected: yes. Observed: 1 variant allele.
Comment: ARX: BP4, BP7